The following is an entry in ClinVar:

ClinVar aggregate classification (germline): Pathogenic. Review status: criteria provided, multiple submitters, no conflicts (2 of 4 stars). 3 submissions from 3 submitters: Pathogenic (3). Last evaluated 2026-03-14.

Conditions:
Epidermolysis bullosa dystrophica. Also called: Dystrophic epidermolysis bullosa, Hallopeau-Siemens type (formerly); Dystrophic epidermolysis bullosa. Identifiers: Orphanet 303, MedGen C0079294, MONDO:0006543.
Recessive dystrophic epidermolysis bullosa (RDEB). Also called: DYSTROPHIC EPIDERMOLYSIS BULLOSA, AUTOSOMAL RECESSIVE; EPIDERMOLYSIS BULLOSA DYSTROPHICA, HALLOPEAU-SIEMENS TYPE; EPIDERMOLYSIS BULLOSA DYSTROPHICA, GENERALIZED SEVERE, AUTOSOMAL RECESSIVE; severe generalized recessive dystrophic epidermolysis bullosa; Epidermolysis Bullosa Distrophica Autosomal Recessive (RDEB); Hallopeau-Siemens Disease. Identifiers: Orphanet 79408, Orphanet 79409, MedGen C0079474, MONDO:0009179, OMIM 226600.

Allele frequency attached by ClinVar (database versions not stated): gnomAD exomes below 0.00001; ExAC 0.00001.
gnomAD v4.1: 5 of 1,613,418 alleles (0.00031%); highest among the groups gnomAD compares: Non-Finnish European, 0.00042%; no homozygotes.

Submissions (3):

Myriad Genetics, Inc.
Classification: Pathogenic for Recessive dystrophic epidermolysis bullosa. Last evaluated: 2026-03-14. Review status: criteria provided, single submitter. Criteria: Myriad Autosomal Dominant, Autosomal Recessive and X-Linked Classification Criteria (2023). Collection method: clinical testing. Allele origin: unknown.
Comment: NM_000094.3(COL7A1):c.7987G>T(E2663*) is expected to be pathogenic in the context of dystrophic epidermolysis bullosa. This variant is predicted to lead to an abnormal or absent protein product due to the creation of a premature termination codon in COL7A1, a gene where loss-of-function variants are known to be pathogenic. Please note: this variant was assessed in the context of healthy population screening.

Natera, Inc.
Classification: Pathogenic for Dystrophic epidermolysis bullosa. Last evaluated: 2025-04-14. Review status: criteria provided, single submitter. Criteria: Natera Variant Classification Schema (03/2026). Collection method: clinical testing. Allele origin: germline.
Comment: The c.7987G>T variant in COL7A1 is a nonsense variant predicted to introduce a stop codon at amino acid 2663. This variant is expected to result in nonsense mediated decay, truncation, or a dysfunctional protein product. This variant is rare in the general population with a frequency below the threshold expected for the associated phenotype(s). This variant has been observed in one or more individuals affected with the associated recessive disease, as either homozygous or compound heterozygous with a second variant (PMID: 22266148, 19681861). Given the available evidence, this variant is classified as Pathogenic.

GeneDx
Classification: Pathogenic. Last evaluated: 2022-10-29. Review status: criteria provided, single submitter. Criteria: GeneDx Variant Classification Process June 2021. Collection method: clinical testing. Allele origin: germline. Affected: yes.
Comment: Nonsense variant predicted to result in protein truncation or nonsense mediated decay in a gene for which loss of function is a known mechanism of disease; Not observed at significant frequency in large population cohorts (gnomAD); This variant is associated with the following publications: (PMID: 25525159, 19681861, 26689913, 29625052, 22266148)

Literature cited by the submitters: PubMed 22266148 (cited by Natera, Inc.); PubMed 19681861 (cited by Natera, Inc.).

NM_000094.4(COL7A1):c.7987G>T (p.Glu2663Ter)

Gene: COL7A1 (collagen type VII alpha 1 chain; minus strand). Cytogenetic location: 3p21.31.
Variant type: single nucleotide variant.
Coding change: c.7987G>T on transcript NM_000094.4 (MANE Select); coding-DNA position 7987, G replaced by T.
Protein change: p.Glu2663Ter; replaces glutamic acid 2663 with a stop codon.
Molecular consequence: nonsense.
Genome position (GRCh38, 1-based): chr3:48,567,633, C>A on the plus strand (G>T on the coding strand, the complement: COL7A1 is on the minus strand). VCF-style: chr3-48567633-C-A. GRCh37 (hg19) VCF-style: chr3-48605066-C-A.
Other names: short protein forms E2663*.
Identifiers: ClinVar variation 2501426 (VCV002501426.3), dbSNP rs756771873, ClinGen allele CA2378209.